The following is an entry in ClinVar:

NM_015627.3(LDLRAP1):c.71del (p.Gly24fs)

Genes: LDLRAP1 (low density lipoprotein receptor adaptor protein 1; plus strand), LOC129929773 (ATAC-STARR-seq lymphoblastoid silent region 456; plus strand). Cytogenetic location: 1p36.11.
Variant type: Deletion.
Coding change: c.71del on transcript NM_015627.3 (MANE Select); coding-DNA position 71, one base deleted (G; older notation c.71delG).
Protein change: p.Gly24fs; shifts the reading frame from glycine 24.
Molecular consequence: frameshift variant.
Genome position (GRCh38, 1-based): chr1:25,543,769, G deleted; the last of 7 consecutive G bases (chr1:25,543,763-25,543,769); deleting any one gives the same sequence. VCF-style (leftmost placement, unchanged base first): chr1-25543762-TG-T. GRCh37 (hg19) VCF-style: chr1-25870253-TG-T.
Other names: c.71delG (NM_015627.2); c.71del (NM_015627.2); short protein forms G24fs.
Identifiers: ClinVar variation 468290 (VCV000468290.29), dbSNP rs1201229554, ClinGen allele CA521715353.

ClinVar aggregate classification (germline): Pathogenic. Review status: criteria provided, multiple submitters, no conflicts (2 of 4 stars). 10 submissions from 10 submitters: Pathogenic (8). 2 of the submissions do not count toward it. Last evaluated 2025-12-14.

Conditions:
Cardiovascular phenotype. Identifiers: MedGen CN230736.
Familial hypercholesterolemia. Also called: Familial hypercholesterolemias; Familial hypercholesterolaemia. Identifiers: MedGen C0020445, MONDO:0005439.
Hypercholesterolemia, familial, 4 (FHCL4). Also called: HYPERCHOLESTEROLEMIA, AUTOSOMAL RECESSIVE, 1; HYPERCHOLESTEROLEMIA, AUTOSOMAL RECESSIVE, 2. Identifiers: Orphanet 391665, MedGen C1863512, MONDO:0011374, OMIM 603813.

Submissions (10):

Labcorp Genetics (formerly Invitae), Labcorp
Classification: Pathogenic for Hypercholesterolemia, familial, 4. Last evaluated: 2025-12-14. Review status: criteria provided, single submitter. Criteria: Invitae Variant Classification Sherloc (09022015). Collection method: clinical testing. Allele origin: germline.
Comment: This sequence change creates a premature translational stop signal (p.Gly24Alafs*32) in the LDLRAP1 gene. It is expected to result in an absent or disrupted protein product. Loss-of-function variants in LDLRAP1 are known to be pathogenic (PMID: 11326085, 12464675). This variant is not present in population databases (gnomAD no frequency). This premature translational stop signal has been observed in individual(s) with hypercholesterolemia (PMID: 11326085). ClinVar contains an entry for this variant (Variation ID: 468290). For these reasons, this variant has been classified as Pathogenic.

Ambry Genetics
Classification: Pathogenic for Cardiovascular phenotype. Last evaluated: 2025-08-01. Review status: criteria provided, single submitter. Criteria: Ambry Variant Classification Scheme 2023. Collection method: clinical testing. Allele origin: germline.
Comment: The c.71delG pathogenic mutation, located in coding exon 1 of the LDLRAP1 gene, results from a deletion of one nucleotide at nucleotide position 71, causing a translational frameshift with a predicted alternate stop codon (p.G24Afs*32). This variant has been identified in the homozygous state and/or in conjunction with other LDLRAP1 variant(s) in individual(s) with features consistent with familial hypercholesterolemia (Garcia CK et al. Science, 2001 May;292:1394-8). This alteration is expected to result in loss of function by premature protein truncation or nonsense-mediated mRNA decay. This variant is considered to be rare based on population cohorts in the Genome Aggregation Database (gnomAD). As such, this alteration is interpreted as a disease-causing mutation.

Cambridge Genomics Laboratory, East Genomic Laboratory Hub, NHS Genomic Medicine Service
Classification: Pathogenic for Familial hypercholesterolaemia. Last evaluated: 2025-07-17. Review status: criteria provided, single submitter. Criteria: ACGS Best Practice Guidelines for Variant Classification in Rare Disease 2020. Collection method: clinical testing. Allele origin: germline. Affected: yes.
Comment: The rare variant c.71del p.(Gly24Alafs*32) in the LDLRAP1 gene has only been reported for few individuals affected with autosomal recessive familial hypercholesterolemia (Garcia et al. 2001, Science 292:1394; Saeed et al. 2018, J Clin Lipidol 12:1141). The deletion of a single nucleotide causes a shift in the reading frame leading to the introduction of a premature stop codon 32 amino acids downstream. The resulting gene product is predicted to undergo nonsense-mediated decay (NMD).

Revvity Omics, Revvity
Classification: Pathogenic for Hypercholesterolemia, familial, 4. Last evaluated: 2023-11-09. Review status: criteria provided, single submitter. Criteria: ACMG Guidelines, 2015. Collection method: clinical testing. Allele origin: germline.

Genome-Nilou Lab
Classification: Pathogenic for Hypercholesterolemia, familial, 4. Last evaluated: 2023-04-11. Review status: criteria provided, single submitter. Criteria: ACMG Guidelines, 2015. Collection method: clinical testing. Allele origin: germline. Affected: no.

GeneDx
Classification: Pathogenic. Last evaluated: 2022-10-28. Review status: criteria provided, single submitter. Criteria: GeneDx Variant Classification Process June 2021. Collection method: clinical testing. Allele origin: germline. Affected: yes.
Comment: Not observed at significant frequency in large population cohorts (gnomAD); Frameshift variant predicted to result in protein truncation or nonsense mediated decay in a gene for which loss of function is a known mechanism of disease; This variant is associated with the following publications: (PMID: 11326085, 34037665)

AiLife Diagnostics
Classification: Pathogenic. Last evaluated: 2022-02-16. Review status: criteria provided, single submitter. Criteria: ACMG Guidelines, 2015. Collection method: clinical testing. Allele origin: germline. Affected: yes. Observed: 1 variant allele.

Fulgent Genetics
Classification: Pathogenic for Hypercholesterolemia, familial, 4. Last evaluated: 2021-08-13. Review status: criteria provided, single submitter. Criteria: ACMG Guidelines, 2015. Collection method: clinical testing. Allele origin: unknown.

Natera, Inc.
Classification: Pathogenic for Familial hypercholesterolemia. Last evaluated: 2020-10-12. Review status: no assertion criteria provided. Collection method: clinical testing. Allele origin: germline. Not counted in ClinVar's aggregate classification.

OMIM
Classification: Pathogenic for HYPERCHOLESTEROLEMIA, FAMILIAL, 4, AUTOSOMAL RECESSIVE. Last evaluated: 2001-05-18. Review status: no assertion criteria provided. Collection method: literature only. Allele origin: germline. Not counted in ClinVar's aggregate classification.

Literature cited by the submitters: PubMed 11326085 (cited by 4 submitters); PubMed 12464675 (cited by Labcorp Genetics (formerly Invitae), Labcorp); PubMed 30318064 (cited by AiLife Diagnostics); PubMed 34037665 (cited by AiLife Diagnostics).